The following is an entry in ClinVar:

NM_021067.5(GINS1):c.74A>C (p.Asn25Thr)

Genes: GINS1 (GINS complex subunit 1; plus strand), LOC130065587 (ATAC-STARR-seq lymphoblastoid active region 17669; plus strand). Cytogenetic location: 20p11.21.
Variant type: single nucleotide variant.
Coding change: c.74A>C on transcript NM_021067.5 (MANE Select); coding-DNA position 74, A replaced by C.
Protein change: p.Asn25Thr; replaces asparagine 25 with threonine.
Molecular consequence: missense variant. On other transcripts: non-coding transcript variant (1).
Genome position (GRCh38, 1-based): chr20:25,407,894, A>C. VCF-style: chr20-25407894-A-C. GRCh37 (hg19) VCF-style: chr20-25388530-A-C.
Other names: c.74A>C, p.Asn25Thr (NM_001410830.1, NM_001410831.1); short protein forms N25T.
Identifiers: ClinVar variation 4995432 (VCV004995432.1).

ClinVar aggregate classification (germline): Uncertain significance (1 of 4 stars; one submission).

Conditions:
GINS1-related disorder. Also called: GINS1-related condition.

gnomAD v4.1: 10 of 1,610,616 alleles (0.00062%); highest among the groups gnomAD compares: Non-Finnish European, 0.00085%; no homozygotes.

Submission:

PreventionGenetics, part of Exact Sciences
Classification: Uncertain significance for GINS1-related condition. Last evaluated: 2025-09-05. Review status: criteria provided, single submitter. Criteria: ACMG Guidelines, 2015. Collection method: clinical testing. Allele origin: germline.
Comment: The GINS1 c.74A>C variant is predicted to result in the amino acid substitution p.Asn25Thr. To our knowledge, this variant has not been reported in the literature or in a large population database (gnomAD), indicating this variant is rare. At this time, the clinical significance of this variant is uncertain due to the absence of conclusive functional and genetic evidence.